The following is an entry in ClinVar:

NM_012079.6(DGAT1):c.540_542dup (p.Ala181dup)

Gene: DGAT1 (diacylglycerol O-acyltransferase 1; minus strand). Cytogenetic location: 8q24.3.
Variant type: Duplication.
Coding change: c.540_542dup on transcript NM_012079.6 (MANE Select); coding-DNA positions 540 to 542, 3 bases duplicated (GGC; older notation c.540_542dupGGC).
Protein change: p.Ala181dup; duplicates alanine 181.
Molecular consequence: inframe insertion.
Genome position (GRCh38, 1-based): chr8:144,318,493-144,318,495, GCC duplicated on the plus strand (GGC on the coding strand, the reverse complement: DGAT1 is on the minus strand); duplicating any 3 consecutive bases within chr8:144,318,493-144,318,497 gives the same sequence; the c. name uses the placement nearest the transcript's 3' end. VCF-style (leftmost placement, unchanged base first): chr8-144318492-A-AGCC. GRCh37 (hg19) VCF-style: chr8-145542155-A-AGCC.
Identifiers: ClinVar variation 1422658 (VCV001422658.4), dbSNP rs781942618, ClinGen allele CA4936999.

ClinVar aggregate classification (germline): Conflicting classifications of pathogenicity. Review status: criteria provided, conflicting classifications (1 of 4 stars). 2 submissions from 2 submitters: Uncertain significance (1); Likely benign (1). Last evaluated 2024-09-20.

Conditions:
Congenital diarrhea 7 with exudative enteropathy. Also called: Diarrhea 7. Identifiers: Orphanet 329242, MedGen C4014516, MONDO:0014375, OMIM 615863.

Submissions (2):

3billion
Classification: Likely benign for Congenital diarrhea 7 with exudative enteropathy. Last evaluated: 2024-09-20. Review status: criteria provided, single submitter. Criteria: ACMG Guidelines, 2015. Collection method: clinical testing. Allele origin: germline. Affected: no.
Comment: The homozygous variant was found in patients diagnosed with another variant in a different gene, with no symptoms related to the gene containing the homozygous variant.

Labcorp Genetics (formerly Invitae), Labcorp
Classification: Uncertain significance. Last evaluated: 2022-05-25. Review status: criteria provided, single submitter. Criteria: Invitae Variant Classification Sherloc (09022015). Collection method: clinical testing. Allele origin: germline.
Comment: This variant, c.540_542dup, results in the insertion of 1 amino acid(s) of the DGAT1 protein (p.Ala181dup), but otherwise preserves the integrity of the reading frame. This variant is present in population databases (rs781942618, gnomAD 0.1%). This variant has not been reported in the literature in individuals affected with DGAT1-related conditions. Experimental studies and prediction algorithms are not available or were not evaluated, and the functional significance of this variant is currently unknown. In summary, the available evidence is currently insufficient to determine the role of this variant in disease. Therefore, it has been classified as a Variant of Uncertain Significance.